The following is an entry in ClinVar:

ClinVar aggregate classification (germline): Uncertain significance (1 of 4 stars; one submission).

Submission:

Labcorp Genetics (formerly Invitae), Labcorp
Classification: Uncertain significance. Last evaluated: 2023-08-17. Review status: criteria provided, single submitter. Criteria: Invitae Variant Classification Sherloc (09022015). Collection method: clinical testing. Allele origin: germline.
Comment: This sequence change replaces asparagine, which is neutral and polar, with serine, which is neutral and polar, at codon 34 of the CD40 protein (p.Asn34Ser). In summary, the available evidence is currently insufficient to determine the role of this variant in disease. Therefore, it has been classified as a Variant of Uncertain Significance. Advanced modeling of protein sequence and biophysical properties (such as structural, functional, and spatial information, amino acid conservation, physicochemical variation, residue mobility, and thermodynamic stability) performed at Invitae indicates that this missense variant is not expected to disrupt CD40 protein function. ClinVar contains an entry for this variant (Variation ID: 1502604). This variant has not been reported in the literature in individuals affected with CD40-related conditions. This variant is not present in population databases (gnomAD no frequency).

NM_001250.6(CD40):c.101A>G (p.Asn34Ser)

Gene: CD40 (CD40 molecule; plus strand). Cytogenetic location: 20q13.12.
Variant type: single nucleotide variant.
Coding change: c.101A>G on transcript NM_001250.6 (MANE Select); coding-DNA position 101, A replaced by G.
Protein change: p.Asn34Ser; replaces asparagine 34 with serine.
Molecular consequence: missense variant. On other transcripts: non-coding transcript variant (2).
Genome position (GRCh38, 1-based): chr20:46,121,869, A>G. VCF-style: chr20-46121869-A-G. GRCh37 (hg19) VCF-style: chr20-44750508-A-G.
Other names: c.101A>G, p.Asn34Ser (NM_001302753.2, NM_001322421.2, NM_001322422.2 and 2 more transcripts); short protein forms N34S.
Identifiers: ClinVar variation 1502604 (VCV001502604.8), dbSNP rs2145590458, ClinGen allele CA409203001.
Genomic context (GRCh38, chr20:46,121,869, plus strand): 5'-TCTGTTTTTAGGTCCATCCAGAACCACCCACTGCATGCAGAGAAAAACAGTACCTAATAA[A>G]CAGTCAGTGCTGTTCTTTGTGCCAGCCAGGTGAGATGCCAACCCTCTAGCCCCATCATGG-3'
Protein context (NP_001241.1, residues 24-44): TACREKQYLI[Asn34Ser]SQCCSLCQPG